The following is an entry in ClinVar:

NM_001363711.2(DUOX2):c.1418C>T (p.Ala473Val)

Gene: DUOX2 (dual oxidase 2; minus strand). Cytogenetic location: 15q21.1.
Variant type: single nucleotide variant.
Coding change: c.1418C>T on transcript NM_001363711.2 (MANE Select); coding-DNA position 1418, C replaced by T.
Protein change: p.Ala473Val; replaces alanine 473 with valine.
Molecular consequence: missense variant.
Genome position (GRCh38, 1-based): chr15:45,108,203, G>A on the plus strand (C>T on the coding strand, the complement: DUOX2 is on the minus strand). VCF-style: chr15-45108203-G-A. GRCh37 (hg19) VCF-style: chr15-45400401-G-A.
Other names: c.1418C>T, p.Ala473Val (NM_014080.5); short protein forms A473V.
Identifiers: ClinVar variation 4798606 (VCV004798606.1).

ClinVar aggregate classification (germline): Uncertain significance (1 of 4 stars; one submission).

gnomAD v4.1: 4 of 1,614,066 alleles (0.00025%); highest among the groups gnomAD compares: Middle Eastern, 0.033%; no homozygotes.

Submission:

Labcorp Genetics (formerly Invitae), Labcorp
Classification: Uncertain significance. Last evaluated: 2025-12-21. Review status: criteria provided, single submitter. Criteria: Invitae Variant Classification Sherloc (09022015). Collection method: clinical testing. Allele origin: germline.
Comment: This sequence change replaces alanine, which is neutral and non-polar, with valine, which is neutral and non-polar, at codon 473 of the DUOX2 protein (p.Ala473Val). This variant is present in population databases (no rsID available, gnomAD 0.0009%). This variant has not been reported in the literature in individuals affected with DUOX2-related conditions. Invitae Evidence Modeling of protein sequence and biophysical properties (such as structural, functional, and spatial information, amino acid conservation, physicochemical variation, residue mobility, and thermodynamic stability) indicates that this missense variant is not expected to disrupt DUOX2 protein function with a negative predictive value of 80%. In summary, the available evidence is currently insufficient to determine the role of this variant in disease. Therefore, it has been classified as a Variant of Uncertain Significance.